The following is an entry in ClinVar:

ClinVar aggregate classification (germline): Uncertain significance (1 of 4 stars; one submission).

Allele frequency attached by ClinVar (database versions not stated): gnomAD exomes below 0.00001.
gnomAD v4.1: 1 of 1,614,212 alleles (0.000062%); highest among the groups gnomAD compares: East Asian, 0.0022%; no homozygotes.

Submission:

Ambry Genetics
Classification: Uncertain significance. Last evaluated: 2022-11-25. Review status: criteria provided, single submitter. Criteria: Ambry Variant Classification Scheme 2023. Collection method: clinical testing. Allele origin: germline.
Comment: The p.S446T variant (also known as c.1336T>A), located in coding exon 12 of the RAD54L gene, results from a T to A substitution at nucleotide position 1336. The serine at codon 446 is replaced by threonine, an amino acid with similar properties. This amino acid position is conserved. In addition, this alteration is predicted to be tolerated by in silico analysis. Since supporting evidence is limited at this time, the clinical significance of this alteration remains unclear.

NM_003579.4(RAD54L):c.1336T>A (p.Ser446Thr)

Gene: RAD54L (RAD54 like; plus strand). Cytogenetic location: 1p34.1.
Variant type: single nucleotide variant.
Coding change: c.1336T>A on transcript NM_003579.4 (MANE Select); coding-DNA position 1336, T replaced by A.
Protein change: p.Ser446Thr; replaces serine 446 with threonine.
Molecular consequence: missense variant.
Genome position (GRCh38, 1-based): chr1:46,272,763, T>A. VCF-style: chr1-46272763-T-A. GRCh37 (hg19) VCF-style: chr1-46738435-T-A.
Other names: c.1336T>A, p.Ser446Thr (NM_001142548.2); c.796T>A, p.Ser266Thr (NM_001370766.1); short protein forms S446T, S266T.
Identifiers: ClinVar variation 2463980 (VCV002463980.2), dbSNP rs2525708303, ClinGen allele CA340179721.
Genomic context (GRCh38, chr1:46,272,763, plus strand): 5'-AGGTTTCTGAGACAAGCCAAACCGGCAGAAGAATTGCTTGAGGGCAAGATGAGTGTGTCT[T>A]CCCTTTCTTCCATCACCTCGCTAAAGAAGCTTTGTAATCGTGAGTTGGGCTTGTGTCCTG-3'
Protein context (NP_003570.2, residues 436-456): ELLEGKMSVS[Ser446Thr]LSSITSLKKL